The following is an entry in ClinVar:

NM_005751.5(AKAP9):c.9913G>A (p.Glu3305Lys)

Gene: AKAP9 (A-kinase anchoring protein 9; plus strand). Cytogenetic location: 7q21.2.
Variant type: single nucleotide variant.
Coding change: c.9913G>A on transcript NM_005751.5 (MANE Select); coding-DNA position 9913, G replaced by A.
Protein change: p.Glu3305Lys; replaces glutamic acid 3305 with lysine.
Molecular consequence: missense variant.
Genome position (GRCh38, 1-based): chr7:92,096,872, G>A. VCF-style: chr7-92096872-G-A. GRCh37 (hg19) VCF-style: chr7-91726186-G-A.
Other names: c.4558G>A, p.Glu1520Lys (NM_001379277.1); c.9889G>A, p.Glu3297Lys (NM_147185.3); short protein forms E3297K, E1520K, E3305K.
Identifiers: ClinVar variation 3658214 (VCV003658214.2).

ClinVar aggregate classification (germline): Uncertain significance (1 of 4 stars; one submission).

Conditions:
Long QT syndrome (LQTS). Identifiers: MedGen C0023976, MeSH D008133, MONDO:0002442. Disease mechanism: loss of function. Inheritance: Various modes of inheritance.

gnomAD v4.1: 1 of 1,614,200 alleles (0.000062%); no homozygotes.

Submission:

Labcorp Genetics (formerly Invitae), Labcorp
Classification: Uncertain significance for Long QT syndrome. Last evaluated: 2025-06-11. Review status: criteria provided, single submitter. Criteria: Invitae Variant Classification Sherloc (09022015). Collection method: clinical testing. Allele origin: germline.
Comment: This sequence change replaces glutamic acid, which is acidic and polar, with lysine, which is basic and polar, at codon 3305 of the AKAP9 protein (p.Glu3305Lys). This variant is present in population databases (no rsID available, gnomAD 0.0009%). This variant has not been reported in the literature in individuals affected with AKAP9-related conditions. ClinVar contains an entry for this variant (Variation ID: 3658214). An algorithm developed to predict the effect of missense changes on protein structure and function (PolyPhen-2) suggests that this variant is likely to be disruptive. In summary, the available evidence is currently insufficient to determine the role of this variant in disease. Therefore, it has been classified as a Variant of Uncertain Significance.